The following is an entry in ClinVar:

NM_000271.5(NPC1):c.934T>C (p.Ser312Pro)

Gene: NPC1 (NPC intracellular cholesterol transporter 1; minus strand). Cytogenetic location: 18q11.2.
Variant type: single nucleotide variant.
Coding change: c.934T>C on transcript NM_000271.5 (MANE Select); coding-DNA position 934, T replaced by C.
Protein change: p.Ser312Pro; replaces serine 312 with proline.
Molecular consequence: missense variant.
Genome position (GRCh38, 1-based): chr18:23,557,138, A>G on the plus strand (T>C on the coding strand, the complement: NPC1 is on the minus strand). VCF-style: chr18-23557138-A-G. GRCh37 (hg19) VCF-style: chr18-21137102-A-G.
Other names: short protein forms S312P.
Identifiers: ClinVar variation 2153555 (VCV002153555.1), dbSNP rs879276742, ClinGen allele CA297070134.

ClinVar aggregate classification (germline): Uncertain significance (1 of 4 stars; one submission).

Conditions:
Niemann-Pick disease, type C1. Also called: NIEMANN-PICK DISEASE WITHOUT SPHINGOMYELINASE DEFICIENCY; NIEMANN-PICK DISEASE, CHRONIC NEURONOPATHIC FORM; NEUROVISCERAL STORAGE DISEASE WITH VERTICAL SUPRANUCLEAR OPHTHALMOPLEGIA; NIEMANN-PICK DISEASE WITH CHOLESTEROL ESTERIFICATION BLOCK; NIEMANN-PICK DISEASE, VARIANT TYPE C1. Identifiers: Orphanet 646, MedGen C3179455, MONDO:0009757, OMIM 257220.

Allele frequency attached by ClinVar (database versions not stated): TOPMed below 0.00001; gnomAD 0.00001.
gnomAD v4.1: 25 of 1,613,628 alleles (0.0015%); highest among the groups gnomAD compares: Non-Finnish European, 0.0021%; no homozygotes.

Submission:

Labcorp Genetics (formerly Invitae), Labcorp
Classification: Uncertain significance for Niemann-Pick disease, type C1. Last evaluated: 2022-05-03. Review status: criteria provided, single submitter. Criteria: Invitae Variant Classification Sherloc (09022015). Collection method: clinical testing. Allele origin: germline.
Comment: This sequence change replaces serine, which is neutral and polar, with proline, which is neutral and non-polar, at codon 312 of the NPC1 protein (p.Ser312Pro). This variant is present in population databases (no rsID available, gnomAD 0.002%). This variant has not been reported in the literature in individuals affected with NPC1-related conditions. Advanced modeling of protein sequence and biophysical properties (such as structural, functional, and spatial information, amino acid conservation, physicochemical variation, residue mobility, and thermodynamic stability) performed at Invitae indicates that this missense variant is not expected to disrupt NPC1 protein function. In summary, the available evidence is currently insufficient to determine the role of this variant in disease. Therefore, it has been classified as a Variant of Uncertain Significance.